The following is an entry in ClinVar:

NM_000368.5(TSC1):c.2448G>T (p.Lys816Asn)

Gene: TSC1 (TSC complex subunit 1; minus strand). Cytogenetic location: 9q34.13.
Variant type: single nucleotide variant.
Coding change: c.2448G>T on transcript NM_000368.5 (MANE Select); coding-DNA position 2448, G replaced by T.
Protein change: p.Lys816Asn; replaces lysine 816 with asparagine.
Molecular consequence: missense variant.
Genome position (GRCh38, 1-based): chr9:132,901,643, C>A on the plus strand (G>T on the coding strand, the complement: TSC1 is on the minus strand). VCF-style: chr9-132901643-C-A. GRCh37 (hg19) VCF-style: chr9-135777030-C-A.
Other names: c.2445G>T, p.Lys815Asn (NM_001162426.2, NM_001406597.1, NM_001406598.1 and 4 more transcripts); c.2295G>T, p.Lys765Asn (NM_001162427.2, NM_001406610.1); c.2085G>T, p.Lys695Asn (NM_001362177.2, NM_001406614.1, NM_001406615.1 and 5 more transcripts); c.2448G>T, p.Lys816Asn (NM_001406592.1, NM_001406593.1, NM_001406594.1 and 5 more transcripts); c.2433G>T, p.Lys811Asn (NM_001406601.1, NM_001406602.1); c.2430G>T, p.Lys810Asn (NM_001406603.1, NM_001406604.1); c.2292G>T, p.Lys764Asn (NM_001406611.1, NM_001406612.1, NM_001406613.1); c.2082G>T, p.Lys694Asn (NM_001406620.1, NM_001406621.1, NM_001406622.1 and 2 more transcripts); and 3 more; short protein forms K810N, K465N, K499N, K694N, K811N, K816N, K764N, K765N.
Identifiers: ClinVar variation 1791425 (VCV001791425.2), dbSNP rs1588299142, ClinGen allele CA375358555.

ClinVar aggregate classification (germline): Uncertain significance (1 of 4 stars; one submission).

Conditions:
Hereditary cancer-predisposing syndrome. Also called: Hereditary Cancer Syndrome; Hereditary neoplastic syndrome; Tumor predisposition; Neoplastic Syndromes, Hereditary. Identifiers: Orphanet 140162, MedGen C0027672, MeSH D009386, MONDO:0015356.

Submission:

Ambry Genetics
Classification: Uncertain significance for Hereditary cancer-predisposing syndrome. Last evaluated: 2021-08-19. Review status: criteria provided, single submitter. Criteria: Ambry Variant Classification Scheme 2023. Collection method: clinical testing. Allele origin: germline.
Comment: The p.K816N variant (also known as c.2448G>T), located in coding exon 17 of the TSC1 gene, results from a G to T substitution at nucleotide position 2448. The lysine at codon 816 is replaced by asparagine, an amino acid with similar properties. This amino acid position is well conserved in available vertebrate species. In addition, this alteration is predicted to be tolerated by in silico analysis. Since supporting evidence is limited at this time, the clinical significance of this alteration remains unclear.